The following is an entry in ClinVar:

NM_003978.5(PSTPIP1):c.181G>A (p.Ala61Thr)

Gene: PSTPIP1 (proline-serine-threonine phosphatase interacting protein 1; plus strand). Cytogenetic location: 15q24.3.
Variant type: single nucleotide variant.
Coding change: c.181G>A on transcript NM_003978.5 (MANE Select); coding-DNA position 181, G replaced by A.
Protein change: p.Ala61Thr; replaces alanine 61 with threonine.
Molecular consequence: missense variant. On other transcripts: non-coding transcript variant (1).
Genome position (GRCh38, 1-based): chr15:77,018,500, G>A. VCF-style: chr15-77018500-G-A. GRCh37 (hg19) VCF-style: chr15-77310841-G-A.
Other names: c.181G>A, p.Ala61Thr (NM_001321135.2, NM_001411086.1); c.154G>A, p.Ala52Thr (NM_001321136.2); c.376G>A, p.Ala126Thr (NM_001321137.1); short protein forms A61T, A52T, A126T.
Identifiers: ClinVar variation 2716563 (VCV002716563.4), dbSNP rs568503340, ClinGen allele CA273745146.

ClinVar aggregate classification (germline): Uncertain significance. Review status: criteria provided, multiple submitters, no conflicts (2 of 4 stars). 2 submissions from 2 submitters: Uncertain significance (2). Last evaluated 2025-08-26.

Conditions:
Inborn genetic diseases. Identifiers: MedGen C0950123, MeSH D030342.
Pyogenic arthritis-pyoderma gangrenosum-acne syndrome (PAPA). Also called: PAPA SYNDROME; FAMILIAL RECURRENT ARTHRITIS. Identifiers: Orphanet 69126, MedGen C1858361, MONDO:0011462, OMIM 604416.

Allele frequency attached by ClinVar (database versions not stated): gnomAD 0.00001; TOPMed 0.00002.
gnomAD v4.1: 27 of 1,580,528 alleles (0.0017%); highest among the groups gnomAD compares: South Asian, 0.014%; no homozygotes.

Submissions (2):

Ambry Genetics
Classification: Uncertain significance for Inborn genetic diseases. Last evaluated: 2025-08-26. Review status: criteria provided, single submitter. Criteria: Ambry Variant Classification Scheme 2023. Collection method: clinical testing. Allele origin: germline.

Labcorp Genetics (formerly Invitae), Labcorp
Classification: Uncertain significance for Pyogenic arthritis-pyoderma gangrenosum-acne syndrome. Last evaluated: 2023-09-05. Review status: criteria provided, single submitter. Criteria: Invitae Variant Classification Sherloc (09022015). Collection method: clinical testing. Allele origin: germline.
Comment: In summary, the available evidence is currently insufficient to determine the role of this variant in disease. Therefore, it has been classified as a Variant of Uncertain Significance. Advanced modeling of protein sequence and biophysical properties (such as structural, functional, and spatial information, amino acid conservation, physicochemical variation, residue mobility, and thermodynamic stability) performed at Invitae indicates that this missense variant is not expected to disrupt PSTPIP1 protein function. This variant has not been reported in the literature in individuals affected with PSTPIP1-related conditions. The frequency data for this variant in the population databases is considered unreliable, as metrics indicate poor data quality at this position in the gnomAD database. This sequence change replaces alanine, which is neutral and non-polar, with threonine, which is neutral and polar, at codon 61 of the PSTPIP1 protein (p.Ala61Thr).